The following is an entry in ClinVar:

ClinVar aggregate classification (germline): Conflicting classifications of pathogenicity. Review status: criteria provided, conflicting classifications (1 of 4 stars). 12 submissions from 12 submitters: Uncertain significance (6); Benign (1); Likely benign (4). 1 of the submissions does not count toward it. Last evaluated 2026-02-05.

Conditions:
Familial thoracic aortic aneurysm and aortic dissection (TAAD). Also called: Thoracic aortic aneurysms and dissections. Identifiers: Orphanet 91387, MedGen C4707243, MONDO:0019625.
Hereditary cancer-predisposing syndrome. Also called: Neoplastic Syndromes, Hereditary; Hereditary neoplastic syndrome; Tumor predisposition; Hereditary Cancer Syndrome. Identifiers: Orphanet 140162, MedGen C0027672, MeSH D009386, MONDO:0015356.
Juvenile polyposis syndrome (JPS). Identifiers: Orphanet 2929, MedGen C0345893, MONDO:0017380, OMIM 174900.
Juvenile polyposis/hereditary hemorrhagic telangiectasia syndrome (JPHT). Also called: JP/HHT SYNDROME; JUVENILE POLYPOSIS WITH HEREDITARY HEMORRHAGIC TELANGIECTASIA; POLYPOSIS, GENERALIZED JUVENILE, WITH PULMONARY ARTERIOVENOUS MALFORMATION; TELANGIECTASIA, HEREDITARY HEMORRHAGIC, WITH JUVENILE POLYPOSIS COLI; Juvenile Polyposis Syndrome / Hereditary Hemorrhagic Telangiectasia (JPS/HHT). Identifiers: Orphanet 2929, MedGen C1832942, MONDO:0008278, OMIM 175050.

Allele frequency attached by ClinVar (database versions not stated): gnomAD exomes 0.00004 and 0.00001; 1000 Genomes Project 30x 0.00016; 1000 Genomes Project 0.00020; ESP Exome Variant Server 0.00038; TOPMed 0.00014; ExAC 0.00004; gnomAD 0.00013 and 0.00014.
gnomAD v4.1: 35 of 1,613,832 alleles (0.0022%); highest among the groups gnomAD compares: African/African-American, 0.043%; no homozygotes.

Submissions (12):

GeneDx
Classification: Uncertain significance. Last evaluated: 2026-02-05. Review status: criteria provided, single submitter. Criteria: GeneDx Variant Classification Process June 2021. Collection method: clinical testing. Allele origin: germline. Affected: yes.
Comment: Has not been previously reported as a pathogenic or benign germline variant to our knowledge; In silico analysis suggests that this missense variant does not alter protein structure/function; This variant is associated with the following publications: (PMID: 27363283, 25178641, 15235019, 18823382, 22992590)

Labcorp Genetics (formerly Invitae), Labcorp
Classification: Likely benign for Juvenile polyposis syndrome. Last evaluated: 2025-11-14. Review status: criteria provided, single submitter. Criteria: Invitae Variant Classification Sherloc (09022015). Collection method: clinical testing. Allele origin: germline.

Quest Diagnostics Nichols Institute San Juan Capistrano
Classification: Likely benign. Last evaluated: 2025-09-15. Review status: criteria provided, single submitter. Criteria: Quest Diagnostics criteria. Collection method: clinical testing. Allele origin: unknown.

Women's Health and Genetics/Laboratory Corporation of America, LabCorp
Classification: Uncertain significance. Last evaluated: 2025-09-04. Review status: criteria provided, single submitter. Criteria: LabCorp Variant Classification Summary - May 2015. Collection method: clinical testing. Allele origin: germline.
Comment: Variant summary: SMAD4 c.521C>A (p.Thr174Asn) results in a non-conservative amino acid change located in the MAD homology 1, Dwarfin-type domain (IPR003619) of the encoded protein sequence. Algorithms developed to predict the effect of missense changes on protein structure and function are either unavailable or do not agree on the potential impact of this missense change. The variant allele was found at a frequency of 3.6e-05 in 251474 control chromosomes. The available data on variant occurrences in the general population are insufficient to allow any conclusion about variant significance. To our knowledge, no occurrence of c.521C>A in individuals affected with SMAD4-related conditions and no experimental evidence demonstrating its impact on protein function have been reported. ClinVar contains an entry for this variant (Variation ID: 188279). Based on the evidence outlined above, the variant was classified as uncertain significance.

Dasa
Classification: Uncertain significance. Last evaluated: 2025-06-10. Review status: criteria provided, single submitter. Criteria: DASA Assertion Criteria. Collection method: clinical testing. Allele origin: germline.
Comment: NM_005359.6(SMAD4):c.521C>A (p.Thr174Asn) is a missense variant that results in the substitution of threonine with asparagine. This variant is rare in population databases. Computational prediction algorithms are consistent with a benign effect. The currently available literature and clinical evidence are not sufficient to establish a definitive association between this variant and the reported condition. Therefore, this variant is classified as a variant of uncertain significance.

All of Us Research Program, National Institutes of Health
Classification: Likely benign for Juvenile polyposis/hereditary hemorrhagic telangiectasia syndrome. Last evaluated: 2023-10-23. Review status: criteria provided, single submitter. Criteria: ACMG Guidelines, 2015. Collection method: clinical testing. Allele origin: germline. Inheritance: Autosomal dominant inheritance. Observed: 3 variant alleles, 3 heterozygotes.
Comment: This missense variant replaces threonine with asparagine at codon 174 of the SMAD4 protein. Computational prediction suggests that this variant may not impact protein structure and function (internally defined REVEL score threshold <= 0.5, PMID: 27666373). Splice site prediction tools suggest that this variant may not impact RNA splicing. To our knowledge, functional studies have not been performed for this variant. This variant has not been reported in individuals affected with hereditary cancer in the literature. This variant has been identified in 13/282872 chromosomes in the general population by the Genome Aggregation Database (gnomAD). The available evidence is insufficient to determine the role of this variant in disease conclusively. Therefore, this variant is classified as a Variant of Uncertain Significance.

This study involves interpretation of variants in research participants for the purpose of population health screening. Participant phenotype was not available at the time of variant classification. Additional details can be found in publication PMID: 35346344, PMCID: PMC8962531

Color Diagnostics, LLC DBA Color Health
Classification: Likely benign for Hereditary cancer-predisposing syndrome. Last evaluated: 2023-05-31. Review status: criteria provided, single submitter. Criteria: ACMG Guidelines, 2015. Collection method: clinical testing. Allele origin: germline.

Myriad Genetics, Inc.
Classification: Uncertain significance for Juvenile polyposis/hereditary hemorrhagic telangiectasia syndrome. Last evaluated: 2023-04-10. Review status: criteria provided, single submitter. Criteria: Myriad Autosomal Dominant, Autosomal Recessive and X-Linked Classification Criteria (2023). Collection method: clinical testing. Allele origin: unknown.
Comment: This variant is classified as a variant of uncertain significance as there is insufficient evidence to determine its impact on protein function and/or cancer risk.

Ambry Genetics
Classification: Benign for Hereditary cancer-predisposing syndrome; Familial thoracic aortic aneurysm and aortic dissection. Last evaluated: 2023-02-16. Review status: criteria provided, single submitter. Criteria: Ambry Variant Classification Scheme 2023. Collection method: clinical testing. Allele origin: germline.

Sema4
Classification: Uncertain significance for Hereditary cancer-predisposing syndrome. Last evaluated: 2022-01-30. Review status: criteria provided, single submitter. Criteria: Sema4 Curation Guidelines. Collection method: curation. Allele origin: germline.
Comment: The SMAD4 c.521C>A (p.T174N) variant has not been reported in individuals with SMAD4-related disease to our knowledge. This variant was observed in 13/24966 chromosomes in the African population, including no homozygotes, according to the Genome Aggregation Database (PMID: 32461654). The variant has been reported in ClinVar (Variation ID 188279). Functional studies have not been performed, and in silico predictions of the variant's effect on protein function are inconclusive. The evidence is insufficient to meet ACMG/AMP criteria for classifying the variant as benign or pathogenic. Thus, the clinical significance of this variant is currently uncertain.

ARUP Laboratories, Molecular Genetics and Genomics, ARUP Laboratories
Classification: Uncertain significance. Last evaluated: 2020-04-14. Review status: criteria provided, single submitter. Criteria: ARUP Molecular Germline Variant Investigation Process. Collection method: clinical testing. Allele origin: germline.
Comment: The SMAD4 c.521C>A; p.Thr174Asn variant (rs138800446), to our knowledge, is not reported in the medical literature but is reported in ClinVar (Variation ID: 188279). This variant is found in the African population with an allele frequency of 0.052% (13/24966 alleles) in the Genome Aggregation Database. The threonine at codon 174 is moderately conserved, and computational analyses (SIFT, PolyPhen-2) predict that this variant is tolerated. Due to limited information, the clinical significance of the p.Thr174Asn variant is uncertain at this time.

Counsyl
Classification: Uncertain significance for Juvenile polyposis syndrome. Last evaluated: 2018-04-24. Review status: no assertion criteria provided. Collection method: clinical testing. Allele origin: unknown. Not counted in ClinVar's aggregate classification.

Literature cited by the submitters: PubMed 25178641 (cited by Quest Diagnostics Nichols Institute San Juan Capistrano).

NM_005359.6(SMAD4):c.521C>A (p.Thr174Asn)

Gene: SMAD4 (SMAD family member 4; plus strand). Cytogenetic location: 18q21.2.
Variant type: single nucleotide variant.
Coding change: c.521C>A on transcript NM_005359.6 (MANE Select); coding-DNA position 521, C replaced by A.
Protein change: p.Thr174Asn; replaces threonine 174 with asparagine.
Molecular consequence: missense variant.
Genome position (GRCh38, 1-based): chr18:51,054,847, C>A. VCF-style: chr18-51054847-C-A. GRCh37 (hg19) VCF-style: chr18-48581217-C-A.
Other names: short protein forms T174N.
Identifiers: ClinVar variation 188279 (VCV000188279.47), dbSNP rs138800446, ClinGen allele CA334504.